The following is an entry in ClinVar:

NM_001127222.2(CACNA1A):c.4190T>C (p.Leu1397Pro)

Genes: CACNA1A (calcium voltage-gated channel subunit alpha1 A; minus strand), LOC126862864 (MED14-independent group 3 enhancer GRCh37_chr19:13371552-13372751; plus strand). Cytogenetic location: 19p13.13.
Variant type: single nucleotide variant.
Coding change: c.4190T>C on transcript NM_001127222.2 (MANE Select); coding-DNA position 4190, T replaced by C.
Protein change: p.Leu1397Pro; replaces leucine 1397 with proline.
Molecular consequence: missense variant.
Genome position (GRCh38, 1-based): chr19:13,261,510, A>G on the plus strand (T>C on the coding strand, the complement: CACNA1A is on the minus strand). VCF-style: chr19-13261510-A-G. GRCh37 (hg19) VCF-style: chr19-13372324-A-G.
Other names: c.4202T>C, p.Leu1401Pro (NM_000068.4, NM_023035.3); c.4193T>C, p.Leu1398Pro (NM_001127221.2, NM_001174080.2); short protein forms L1397P, L1398P, L1401P.
Identifiers: ClinVar variation 3571758 (VCV003571758.1).

ClinVar aggregate classification (germline): Uncertain significance (1 of 4 stars; one submission).

Submission:

Athena Diagnostics
Classification: Uncertain significance. Last evaluated: 2023-09-26. Review status: criteria provided, single submitter. Criteria: Athena Diagnostics Criteria. Collection method: clinical testing. Allele origin: unknown.
Comment: Available data are insufficient to determine the clinical significance of the variant at this time. This variant has not been reported in large, multi-ethnic general populations. Computational tools predict that this variant is damaging.